The following is an entry in ClinVar:

ClinVar aggregate classification (germline): Uncertain significance. Review status: criteria provided, multiple submitters, no conflicts (2 of 4 stars). 3 submissions from 3 submitters: Uncertain significance (3). Last evaluated 2025-10-23.

Conditions:
LOXHD1-related disorder. Also called: LOXHD1-related condition.
Autosomal recessive nonsyndromic hearing loss 77. Identifiers: Orphanet 90636, MedGen C2746083, MONDO:0013119, OMIM 613079.

Allele frequency attached by ClinVar (database versions not stated): gnomAD exomes 0.00002 and 0.00003; TOPMed 0.00002.

Submissions (3):

Labcorp Genetics (formerly Invitae), Labcorp
Classification: Uncertain significance. Last evaluated: 2025-10-23. Review status: criteria provided, single submitter. Criteria: Invitae Variant Classification Sherloc (09022015). Collection method: clinical testing. Allele origin: germline.
Comment: This sequence change replaces arginine, which is basic and polar, with cysteine, which is neutral and slightly polar, at codon 1915 of the LOXHD1 protein (p.Arg1915Cys). This variant is present in population databases (no rsID available, gnomAD 0.005%). This variant has not been reported in the literature in individuals affected with LOXHD1-related conditions. ClinVar contains an entry for this variant (Variation ID: 326832). An algorithm developed to predict the effect of missense changes on protein structure and function (PolyPhen-2) suggests that this variant is likely to be disruptive. In summary, the available evidence is currently insufficient to determine the role of this variant in disease. Therefore, it has been classified as a Variant of Uncertain Significance.

PreventionGenetics, part of Exact Sciences
Classification: Uncertain significance for LOXHD1-related condition. Last evaluated: 2025-01-07. Review status: criteria provided, single submitter. Criteria: ACMG Guidelines, 2015. Collection method: clinical testing. Allele origin: germline.
Comment: The LOXHD1 c.5743C>T variant is predicted to result in the amino acid substitution p.Arg1915Cys. To our knowledge, this variant has not been reported in the literature. This variant is reported in 0.0081% of alleles in individuals of Latino descent in gnomAD. At this time, the clinical significance of this variant is uncertain due to the absence of conclusive functional and genetic evidence.

Illumina Laboratory Services, Illumina
Classification: Uncertain significance for Autosomal recessive nonsyndromic hearing loss 77. Last evaluated: 2018-01-13. Review status: criteria provided, single submitter. Criteria: ICSL Variant Classification Criteria 13 December 2019. Collection method: clinical testing. Allele origin: germline.

NM_001384474.1(LOXHD1):c.5929C>T (p.Arg1977Cys)

Gene: LOXHD1 (lipoxygenase homology PLAT domains 1; minus strand). Cytogenetic location: 18q21.1.
Variant type: single nucleotide variant.
Coding change: c.5929C>T on transcript NM_001384474.1 (MANE Select); coding-DNA position 5929, C replaced by T.
Protein change: p.Arg1977Cys; replaces arginine 1977 with cysteine.
Molecular consequence: missense variant.
Genome position (GRCh38, 1-based): chr18:46,489,092, G>A on the plus strand (C>T on the coding strand, the complement: LOXHD1 is on the minus strand). VCF-style: chr18-46489092-G-A. GRCh37 (hg19) VCF-style: chr18-44069055-G-A.
Other names: c.2596C>T, p.Arg866Cys (NM_001145472.3); c.646C>T, p.Arg216Cys (NM_001145473.3, NM_001173129.2); c.2308C>T, p.Arg770Cys (NM_001308013.2); c.5743C>T, p.Arg1915Cys (NM_144612.7); short protein forms R1915C, R770C, R866C, R216C, R1977C.
Identifiers: ClinVar variation 326832 (VCV000326832.8), dbSNP rs886053824, ClinGen allele CA10650839.